The following is an entry in ClinVar:

ClinVar aggregate classification (germline): Uncertain significance (1 of 4 stars; one submission).

Conditions:
Aicardi-Goutieres syndrome 6 (AGS6). Identifiers: Orphanet 51, MedGen C3539013, MONDO:0014007, OMIM 615010.
Symmetrical dyschromatosis of extremities (DSH). Also called: Dyschromatosis symmetrica hereditaria; RETICULATE ACROPIGMENTATION OF DOHI; SYMMETRIC DYSCHROMATOSIS OF THE EXTREMITIES; DYSCHROMATOSIS SYMMETRICA HEREDITARIA 1. Identifiers: Orphanet 41, MedGen C0406775, MONDO:0007483, OMIM 127400.

Submission:

Labcorp Genetics (formerly Invitae), Labcorp
Classification: Uncertain significance for Aicardi-Goutieres syndrome 6; Symmetrical dyschromatosis of extremities. Last evaluated: 2025-08-15. Review status: criteria provided, single submitter. Criteria: Invitae Variant Classification Sherloc (09022015). Collection method: clinical testing. Allele origin: germline.
Comment: This sequence change replaces glycine, which is neutral and non-polar, with arginine, which is basic and polar, at codon 445 of the ADAR protein (p.Gly445Arg). This variant is not present in population databases (gnomAD no frequency). This variant has not been reported in the literature in individuals affected with ADAR-related conditions. ClinVar contains an entry for this variant (Variation ID: 3748428). Invitae Evidence Modeling of protein sequence and biophysical properties (such as structural, functional, and spatial information, amino acid conservation, physicochemical variation, residue mobility, and thermodynamic stability) indicates that this missense variant is not expected to disrupt ADAR protein function with a negative predictive value of 80%. In summary, the available evidence is currently insufficient to determine the role of this variant in disease. Therefore, it has been classified as a Variant of Uncertain Significance.

NM_001111.5(ADAR):c.1333G>C (p.Gly445Arg)

Gene: ADAR (adenosine deaminase RNA specific; minus strand). Cytogenetic location: 1q21.3.
Variant type: single nucleotide variant.
Coding change: c.1333G>C on transcript NM_001111.5 (MANE Select); coding-DNA position 1333, G replaced by C.
Protein change: p.Gly445Arg; replaces glycine 445 with arginine.
Molecular consequence: missense variant.
Genome position (GRCh38, 1-based): chr1:154,601,309, C>G on the plus strand (G>C on the coding strand, the complement: ADAR is on the minus strand). VCF-style: chr1-154601309-C-G. GRCh37 (hg19) VCF-style: chr1-154573785-C-G.
Other names: c.448G>C, p.Gly150Arg (NM_001025107.3, NM_001193495.2, NM_001365046.1 and 3 more transcripts); c.1360G>C, p.Gly454Arg (NM_001365045.1); c.1333G>C, p.Gly445Arg (NM_015840.4, NM_015841.4); short protein forms G150R, G445R, G454R.
Identifiers: ClinVar variation 3748428 (VCV003748428.2).